The following is an entry in ClinVar:

ClinVar aggregate classification (germline): Uncertain significance (1 of 4 stars; one submission).

Conditions:
Chédiak-Higashi syndrome (CHS). Also called: Chediak-Higashi Syndrome. Identifiers: Orphanet 167, MedGen C0007965, MONDO:0008963, OMIM 214500.

Submission:

Labcorp Genetics (formerly Invitae), Labcorp
Classification: Uncertain significance for Chédiak-Higashi syndrome. Last evaluated: 2022-08-05. Review status: criteria provided, single submitter. Criteria: Invitae Variant Classification Sherloc (09022015). Collection method: clinical testing. Allele origin: germline.
Comment: This sequence change replaces threonine, which is neutral and polar, with alanine, which is neutral and non-polar, at codon 1359 of the LYST protein (p.Thr1359Ala). This variant is not present in population databases (gnomAD no frequency). Algorithms developed to predict the effect of missense changes on protein structure and function (SIFT, PolyPhen-2, Align-GVGD) all suggest that this variant is likely to be tolerated. In summary, the available evidence is currently insufficient to determine the role of this variant in disease. Therefore, it has been classified as a Variant of Uncertain Significance. This variant has not been reported in the literature in individuals affected with LYST-related conditions.

NM_000081.4(LYST):c.4075A>G (p.Thr1359Ala)

Gene: LYST (lysosomal trafficking regulator; minus strand). Cytogenetic location: 1q42.3.
Variant type: single nucleotide variant.
Coding change: c.4075A>G on transcript NM_000081.4 (MANE Select); coding-DNA position 4075, A replaced by G.
Protein change: p.Thr1359Ala; replaces threonine 1359 with alanine.
Molecular consequence: missense variant.
Genome position (GRCh38, 1-based): chr1:235,793,544, T>C on the plus strand (A>G on the coding strand, the complement: LYST is on the minus strand). VCF-style: chr1-235793544-T-C. GRCh37 (hg19) VCF-style: chr1-235956844-T-C.
Other names: c.4075A>G, p.Thr1359Ala (NM_001301365.1); short protein forms T1359A.
Identifiers: ClinVar variation 1715059 (VCV001715059.5), dbSNP rs1671237876, ClinGen allele CA344960695.